The following is an entry in ClinVar:

ClinVar aggregate classification (germline): Conflicting classifications of pathogenicity. Review status: criteria provided, conflicting classifications (1 of 4 stars). 5 submissions from 5 submitters: Likely risk allele (1); Uncertain significance (3). 1 of the submissions does not count toward it. Last evaluated 2025-03-17.

Conditions:
Wolfram syndrome 1 (WFS1). Identifiers: Orphanet 3463, MedGen C4551693, MONDO:0009101, OMIM 222300.
WFS1-related disorder. Identifiers: MedGen CN379391, MONDO:0700293.

Allele frequency attached by ClinVar (database versions not stated): TOPMed 0.00002; ExAC 0.00002; gnomAD 0.00002.

Submissions (5):

Labcorp Genetics (formerly Invitae), Labcorp
Classification: Uncertain significance. Last evaluated: 2025-03-17. Review status: criteria provided, single submitter. Criteria: Invitae Variant Classification Sherloc (09022015). Collection method: clinical testing. Allele origin: germline.
Comment: This sequence change replaces arginine, which is basic and polar, with cysteine, which is neutral and slightly polar, at codon 138 of the WFS1 protein (p.Arg138Cys). The frequency data for this variant in the population databases is considered unreliable, as metrics indicate poor data quality at this position in the gnomAD database. This variant has not been reported in the literature in individuals affected with WFS1-related conditions. ClinVar contains an entry for this variant (Variation ID: 1000139). Invitae Evidence Modeling of protein sequence and biophysical properties (such as structural, functional, and spatial information, amino acid conservation, physicochemical variation, residue mobility, and thermodynamic stability) indicates that this missense variant is not expected to disrupt WFS1 protein function with a negative predictive value of 80%. In summary, the available evidence is currently insufficient to determine the role of this variant in disease. Therefore, it has been classified as a Variant of Uncertain Significance.

GeneDx
Classification: Uncertain significance. Last evaluated: 2022-08-19. Review status: criteria provided, single submitter. Criteria: GeneDx Variant Classification Process June 2021. Collection method: clinical testing. Allele origin: germline. Affected: yes.
Comment: In silico analysis supports that this missense variant has a deleterious effect on protein structure/function; Has not been previously published as pathogenic or benign to our knowledge

CeGaT Center for Human Genetics Tuebingen
Classification: Uncertain significance. Last evaluated: 2021-06-01. Review status: criteria provided, single submitter. Criteria: CeGaT Center For Human Genetics Tuebingen Variant Classification Criteria Version 2. Collection method: clinical testing. Allele origin: germline. Affected: yes. Observed: 1 variant allele.

Clinical Genomics, Uppaluri K&H Personalized Medicine Clinic
Classification: Likely risk allele for Wolfram syndrome 1. Review status: criteria provided, single submitter. Criteria: K & H Uppaluri Personalized Medicine Clinic Variant Classification & Assertion Criteria_Updated V.1. Collection method: research. Allele origin: unknown. Inheritance: Autosomal recessive inheritance.
Comment: Potent mutations in WFS1 gene are associated with Wolfram's syndrome, an autosomal recessive condition, which cause diabetes mellitus, diabetes insipidus, deafness and optic atrophy.However no sufficient evidence is found to ascertain the role of this particular variant rs780394696 in Wolfram's syndrome yet.

PreventionGenetics, part of Exact Sciences
Classification: Uncertain significance for WFS1-related condition. Last evaluated: 2024-09-13. Review status: no assertion criteria provided. Collection method: clinical testing. Allele origin: germline. Not counted in ClinVar's aggregate classification.
Comment: The WFS1 c.412C>T variant is predicted to result in the amino acid substitution p.Arg138Cys. To our knowledge, this variant has not been reported in the literature. This variant is reported in 0.0033% of alleles in individuals of Latino descent in gnomAD. At this time, the clinical significance of this variant is uncertain due to the absence of conclusive functional and genetic evidence.

Literature cited by the submitters: PubMed 20738327 (cited by Clinical Genomics, Uppaluri K&H Personalized Medicine Clinic); PubMed 33879153 (cited by Clinical Genomics, Uppaluri K&H Personalized Medicine Clinic); PubMed 12955714 (cited by Clinical Genomics, Uppaluri K&H Personalized Medicine Clinic); PubMed 18060660 (cited by Clinical Genomics, Uppaluri K&H Personalized Medicine Clinic); PubMed 20301750 (cited by Clinical Genomics, Uppaluri K&H Personalized Medicine Clinic); PubMed 17603484 (cited by Clinical Genomics, Uppaluri K&H Personalized Medicine Clinic).

NM_006005.3(WFS1):c.412C>T (p.Arg138Cys)

Gene: WFS1 (wolframin ER transmembrane glycoprotein; plus strand). Cytogenetic location: 4p16.1.
Variant type: single nucleotide variant.
Coding change: c.412C>T on transcript NM_006005.3 (MANE Select); coding-DNA position 412, C replaced by T.
Protein change: p.Arg138Cys; replaces arginine 138 with cysteine.
Molecular consequence: missense variant.
Genome position (GRCh38, 1-based): chr4:6,289,083, C>T. VCF-style: chr4-6289083-C-T. GRCh37 (hg19) VCF-style: chr4-6290810-C-T.
Other names: c.412C>T, p.Arg138Cys (NM_001145853.1); short protein forms R138C.
Identifiers: ClinVar variation 1000139 (VCV001000139.44), dbSNP rs780394696, ClinGen allele CA2838886.